The following is an entry in ClinVar:

ClinVar aggregate classification (germline): Uncertain significance (1 of 4 stars; one submission).

Conditions:
Hereditary cancer-predisposing syndrome. Also called: Tumor predisposition; Hereditary Cancer Syndrome; Hereditary neoplastic syndrome; Neoplastic Syndromes, Hereditary. Identifiers: Orphanet 140162, MedGen C0027672, MeSH D009386, MONDO:0015356.

gnomAD v4.1: 3 of 1,614,056 alleles (0.00019%); highest among the groups gnomAD compares: Non-Finnish European, 0.00025%; no homozygotes.

Submission:

Ambry Genetics
Classification: Uncertain significance for Hereditary cancer-predisposing syndrome. Last evaluated: 2023-06-30. Review status: criteria provided, single submitter. Criteria: Ambry Variant Classification Scheme 2023. Collection method: clinical testing. Allele origin: germline.
Comment: The p.V91L variant (also known as c.271G>C), located in coding exon 2 of the PRKAR1A gene, results from a G to C substitution at nucleotide position 271. The valine at codon 91 is replaced by leucine, an amino acid with highly similar properties. This amino acid position is conserved. In addition, this alteration is predicted to be deleterious by in silico analysis. Since supporting evidence is limited at this time, the clinical significance of this alteration remains unclear.

NM_002734.5(PRKAR1A):c.271G>C (p.Val91Leu)

Gene: PRKAR1A (protein kinase cAMP-dependent type I regulatory subunit alpha; plus strand). Cytogenetic location: 17q24.2.
Variant type: single nucleotide variant.
Coding change: c.271G>C on transcript NM_002734.5 (MANE Select); coding-DNA position 271, G replaced by C.
Protein change: p.Val91Leu; replaces valine 91 with leucine.
Molecular consequence: missense variant.
Genome position (GRCh38, 1-based): chr17:68,522,849, G>C. VCF-style: chr17-68522849-G-C. GRCh37 (hg19) VCF-style: chr17-66518990-G-C.
Other names: c.271G>C, p.Val91Leu (NM_001276289.2, NM_001276290.1, NM_001278433.2 and 4 more transcripts); short protein forms V91L.
Identifiers: ClinVar variation 2625069 (VCV002625069.2), dbSNP rs759197325, ClinGen allele CA400752356.
Genomic context (GRCh38, chr17:68,522,849, plus strand): 5'-GCAGGCACTCGTACAGACTCAAGGGAGGATGAGATTTCTCCTCCTCCACCCAACCCAGTG[G>C]TTAAAGGTAGGAGGCGACGAGGTGCTATCAGCGCTGAGGTCTACACGGAGGAAGATGCGG-3'
Protein context (NP_002725.1, residues 81-101): EISPPPPNPV[Val91Leu]KGRRRRGAIS